The following is an entry in ClinVar:

NM_001367549.1(ATP13A3):c.1586G>T (p.Cys529Phe)

Gene: ATP13A3 (ATPase 13A3; minus strand). Cytogenetic location: 3q29.
Variant type: single nucleotide variant.
Coding change: c.1586G>T on transcript NM_001367549.1 (MANE Select); coding-DNA position 1586, G replaced by T.
Protein change: p.Cys529Phe; replaces cysteine 529 with phenylalanine.
Molecular consequence: missense variant. On other transcripts: non-coding transcript variant (1).
Genome position (GRCh38, 1-based): chr3:194,441,435, C>A on the plus strand (G>T on the coding strand, the complement: ATP13A3 is on the minus strand). VCF-style: chr3-194441435-C-A. GRCh37 (hg19) VCF-style: chr3-194162164-C-A.
Other names: c.1505G>T, p.Cys502Phe (NM_001374836.1); c.1586G>T, p.Cys529Phe (NM_024524.4); c.1586G>T (NM_024524.3); short protein forms C529F, C502F.
Identifiers: ClinVar variation 1925931 (VCV001925931.7), dbSNP rs1028697317, ClinGen allele CA90600658.
Genomic context (GRCh38, chr3:194,441,435, plus strand): 5'-GTAAGTGAATGACAAGTAGCCATACAAGCAACAAACTGGGATTTTACCAACATCTCATTG[C>A]ACACATTTTCTTCTGGTGAAAGAAATCTAAGCAGAAGACACACTGAATTAGTTTCATAAA-3'
Protein context (NP_001354478.1, residues 519-539): ARFLSPEENV[Cys529Phe]NEMLVKSQFV

ClinVar aggregate classification (germline): Uncertain significance. Review status: criteria provided, multiple submitters, no conflicts (2 of 4 stars). 2 submissions from 2 submitters: Uncertain significance (2). Last evaluated 2023-03-27.

Allele frequency attached by ClinVar (database versions not stated): gnomAD exomes 0.00001; gnomAD 0.00002; TOPMed 0.00004.
gnomAD v4.1: 23 of 1,613,322 alleles (0.0014%); highest among the groups gnomAD compares: Non-Finnish European, 0.0019%; no homozygotes.

Submissions (2):

Ambry Genetics
Classification: Uncertain significance. Last evaluated: 2023-03-27. Review status: criteria provided, single submitter. Criteria: Ambry Variant Classification Scheme 2023. Collection method: clinical testing. Allele origin: germline.

Labcorp Genetics (formerly Invitae), Labcorp
Classification: Uncertain significance. Last evaluated: 2022-01-19. Review status: criteria provided, single submitter. Criteria: Invitae Variant Classification Sherloc (09022015). Collection method: clinical testing. Allele origin: germline.
Comment: Algorithms developed to predict the effect of missense changes on protein structure and function (SIFT, PolyPhen-2, Align-GVGD) all suggest that this variant is likely to be tolerated. This variant has not been reported in the literature in individuals affected with ATP13A3-related conditions. This variant is present in population databases (no rsID available, gnomAD 0.0009%). This sequence change replaces cysteine, which is neutral and slightly polar, with phenylalanine, which is neutral and non-polar, at codon 529 of the ATP13A3 protein (p.Cys529Phe). In summary, the available evidence is currently insufficient to determine the role of this variant in disease. Therefore, it has been classified as a Variant of Uncertain Significance.